The following is an entry in ClinVar:

NM_015160.3(PMPCA):c.1447A>G (p.Lys483Glu)

Gene: PMPCA (peptidase, mitochondrial processing subunit alpha; plus strand). Cytogenetic location: 9q34.3.
Variant type: single nucleotide variant.
Coding change: c.1447A>G on transcript NM_015160.3 (MANE Select); coding-DNA position 1447, A replaced by G.
Protein change: p.Lys483Glu; replaces lysine 483 with glutamic acid.
Molecular consequence: missense variant.
Genome position (GRCh38, 1-based): chr9:136,423,133, A>G. VCF-style: chr9-136423133-A-G. GRCh37 (hg19) VCF-style: chr9-139317585-A-G.
Other names: c.1054A>G, p.Lys352Glu (NM_001282944.2); c.1147A>G, p.Lys383Glu (NM_001282946.2); short protein forms K383E, K483E, K352E.
Identifiers: ClinVar variation 2212287 (VCV002212287.6), dbSNP rs1480634867, ClinGen allele CA375558231.

ClinVar aggregate classification (germline): Uncertain significance. Review status: criteria provided, multiple submitters, no conflicts (2 of 4 stars). 2 submissions from 2 submitters: Uncertain significance (2). Last evaluated 2025-07-18.

Conditions:
Inborn genetic diseases. Identifiers: MedGen C0950123, MeSH D030342.

Allele frequency attached by ClinVar (database versions not stated): TOPMed below 0.00001; gnomAD 0.00001.

Submissions (2):

Ambry Genetics
Classification: Uncertain significance for Inborn genetic diseases. Last evaluated: 2025-07-18. Review status: criteria provided, single submitter. Criteria: Ambry Variant Classification Scheme 2023. Collection method: clinical testing. Allele origin: germline.

Labcorp Genetics (formerly Invitae), Labcorp
Classification: Uncertain significance. Last evaluated: 2023-12-11. Review status: criteria provided, single submitter. Criteria: Invitae Variant Classification Sherloc (09022015). Collection method: clinical testing. Allele origin: germline.
Comment: This sequence change replaces lysine, which is basic and polar, with glutamic acid, which is acidic and polar, at codon 483 of the PMPCA protein (p.Lys483Glu). This variant is not present in population databases (gnomAD no frequency). This variant has not been reported in the literature in individuals affected with PMPCA-related conditions. ClinVar contains an entry for this variant (Variation ID: 2212287). Advanced modeling of protein sequence and biophysical properties (such as structural, functional, and spatial information, amino acid conservation, physicochemical variation, residue mobility, and thermodynamic stability) performed at Invitae indicates that this missense variant is not expected to disrupt PMPCA protein function with a negative predictive value of 80%. In summary, the available evidence is currently insufficient to determine the role of this variant in disease. Therefore, it has been classified as a Variant of Uncertain Significance.